The following is an entry in ClinVar:

ClinVar aggregate classification (germline): Uncertain significance. Review status: criteria provided, multiple submitters, no conflicts (2 of 4 stars). 2 submissions from 2 submitters: Uncertain significance (2). Last evaluated 2025-01-06.

Conditions:
Hereditary breast ovarian cancer syndrome. Also called: Breast and ovarian cancer; BRCA1- and BRCA2-Associated Hereditary Breast and Ovarian Cancer; Hereditary breast and ovarian cancer; Hereditary breast and/or ovarian cancer syndrome; Hereditary breast and ovarian cancer syndrome; Hereditary breast and ovarian cancer syndrome (HBOC). Identifiers: Orphanet 145, MedGen C0677776, MeSH D061325, MONDO:0003582. Disease mechanism: loss of function.
Hereditary cancer-predisposing syndrome. Also called: Neoplastic Syndromes, Hereditary; Tumor predisposition; Hereditary Cancer Syndrome; Hereditary neoplastic syndrome. Identifiers: Orphanet 140162, MedGen C0027672, MeSH D009386, MONDO:0015356.

Submissions (2):

Ambry Genetics
Classification: Uncertain significance for Hereditary cancer-predisposing syndrome. Last evaluated: 2025-01-06. Review status: criteria provided, single submitter. Criteria: Ambry Variant Classification Scheme 2023. Collection method: clinical testing. Allele origin: germline.
Comment: The p.R2991P variant (also known as c.8972G>C), located in coding exon 22 of the BRCA2 gene, results from a G to C substitution at nucleotide position 8972. The arginine at codon 2991 is replaced by proline, an amino acid with dissimilar properties. This amino acid position is well conserved in available vertebrate species. In addition, the in silico prediction for this alteration is inconclusive. Based on the available evidence, the clinical significance of this variant remains unclear.

Labcorp Genetics (formerly Invitae), Labcorp
Classification: Uncertain significance for Hereditary breast ovarian cancer syndrome. Last evaluated: 2024-03-01. Review status: criteria provided, single submitter. Criteria: Invitae Variant Classification Sherloc (09022015). Collection method: clinical testing. Allele origin: germline.
Comment: This sequence change replaces arginine, which is basic and polar, with proline, which is neutral and non-polar, at codon 2991 of the BRCA2 protein (p.Arg2991Pro). This variant is not present in population databases (gnomAD no frequency). This variant has not been reported in the literature in individuals affected with BRCA2-related conditions. ClinVar contains an entry for this variant (Variation ID: 652605). Advanced modeling of protein sequence and biophysical properties (such as structural, functional, and spatial information, amino acid conservation, physicochemical variation, residue mobility, and thermodynamic stability) performed at Invitae indicates that this missense variant is not expected to disrupt BRCA2 protein function with a negative predictive value of 95%. In summary, the available evidence is currently insufficient to determine the role of this variant in disease. Therefore, it has been classified as a Variant of Uncertain Significance.

NM_000059.4(BRCA2):c.8972G>C (p.Arg2991Pro)

Gene: BRCA2 (BRCA2 DNA repair associated; plus strand). Cytogenetic location: 13q13.1.
Variant type: single nucleotide variant.
Coding change: c.8972G>C on transcript NM_000059.4 (MANE Select); coding-DNA position 8972, G replaced by C.
Protein change: p.Arg2991Pro; replaces arginine 2991 with proline.
Molecular consequence: missense variant.
Genome position (GRCh38, 1-based): chr13:32,379,768, G>C. VCF-style: chr13-32379768-G-C. GRCh37 (hg19) VCF-style: chr13-32953905-G-C.
Other names: short protein forms R2991P.
Identifiers: ClinVar variation 652605 (VCV000652605.10), dbSNP rs80359150, ClinGen allele CA387757391.